The following is an entry in ClinVar:

NM_001170700.3(DTHD1):c.972del (p.Glu324fs)

Gene: DTHD1 (death domain containing 1; plus strand). Cytogenetic location: 4p14.
Variant type: Deletion.
Coding change: c.972del on transcript NM_001170700.3 (MANE Select); coding-DNA position 972, one base deleted (A; older notation c.972delA).
Protein change: p.Glu324fs; shifts the reading frame from glutamic acid 324.
Molecular consequence: frameshift variant. On other transcripts: non-coding transcript variant (2).
Genome position (GRCh38, 1-based): chr4:36,290,457, A deleted; the last of 2 consecutive A bases (chr4:36,290,456-36,290,457); deleting either gives the same sequence. VCF-style (leftmost placement, unchanged base first): chr4-36290455-GA-G. GRCh37 (hg19) VCF-style: chr4-36292077-GA-G.
Other names: c.102del, p.Glu34fs (NM_001136536.5, NM_001378435.1); short protein forms E324fs, E34fs.
Identifiers: ClinVar variation 2109090 (VCV002109090.4), dbSNP rs2529717273, ClinGen allele CA2578065102.

ClinVar aggregate classification (germline): Uncertain significance (1 of 4 stars; one submission).

Submission:

Labcorp Genetics (formerly Invitae), Labcorp
Classification: Uncertain significance. Last evaluated: 2022-03-11. Review status: criteria provided, single submitter. Criteria: Invitae Variant Classification Sherloc (09022015). Collection method: clinical testing. Allele origin: germline.
Comment: In summary, the available evidence is currently insufficient to determine the role of this variant in disease. Therefore, it has been classified as a Variant of Uncertain Significance. This variant has not been reported in the literature in individuals affected with DTHD1-related conditions. This variant is not present in population databases (gnomAD no frequency). This sequence change creates a premature translational stop signal (p.Glu34Aspfs*4) in the DTHD1 gene. It is expected to result in an absent or disrupted protein product. However, the current clinical and genetic evidence is not sufficient to establish whether loss-of-function variants in DTHD1 cause disease.